The following is an entry in ClinVar:

NM_001128178.3(NPHP1):c.1811dup (p.Cys604fs)

Gene: NPHP1 (nephrocystin 1; minus strand). Cytogenetic location: 2q13.
Variant type: Duplication.
Coding change: c.1811dup on transcript NM_001128178.3 (MANE Select); coding-DNA position 1811, one base duplicated (G; older notation c.1811dupG).
Protein change: p.Cys604fs; shifts the reading frame from cysteine 604.
Molecular consequence: frameshift variant. On other transcripts: 3 prime UTR variant (1).
Genome position (GRCh38, 1-based): chr2:110,124,014, C duplicated on the plus strand (G on the coding strand, the reverse complement: NPHP1 is on the minus strand). VCF-style (leftmost placement, unchanged base first): chr2-110124013-G-GC. GRCh37 (hg19) VCF-style: chr2-110881590-G-GC.
Other names: c.1979dup, p.Cys660fs (NM_000272.5); c.1622dup, p.Cys541fs (NM_001128179.3); c.1808dup, p.Cys603fs (NM_001374256.1); c.*53dup (NM_001374257.1); c.1976dup, p.Cys659fs (NM_207181.4); short protein forms C603fs, C659fs, C541fs, C604fs, C660fs.
Identifiers: ClinVar variation 4716456 (VCV004716456.1).

ClinVar aggregate classification (germline): Pathogenic (1 of 4 stars; one submission).

Conditions:
Nephronophthisis. Also called: Juvenile Nephronophthisis. Identifiers: Orphanet 655, MedGen C0687120, MONDO:0019005, HP:0000090.

Submission:

Labcorp Genetics (formerly Invitae), Labcorp
Classification: Pathogenic for Nephronophthisis. Last evaluated: 2025-07-13. Review status: criteria provided, single submitter. Criteria: Invitae Variant Classification Sherloc (09022015). Collection method: clinical testing. Allele origin: germline.
Comment: This sequence change creates a premature translational stop signal (p.Cys660Trpfs*22) in the NPHP1 gene. While this is not anticipated to result in nonsense mediated decay, it is expected to disrupt the last 74 amino acid(s) of the NPHP1 protein. This variant is not present in population databases (gnomAD no frequency). This variant has not been reported in the literature in individuals affected with NPHP1-related conditions. This variant disrupts a region of the NPHP1 protein in which other variant(s) (p.Ser718*) have been determined to be pathogenic (PMID: 23559409). This suggests that this is a clinically significant region of the protein, and that variants that disrupt it are likely to be disease-causing. For these reasons, this variant has been classified as Pathogenic.

Literature cited by the submitters: PubMed 23559409.